The following is an entry in ClinVar:

NM_003590.5(CUL3):c.1636C>T (p.Arg546Ter)

Gene: CUL3 (cullin 3; minus strand). Cytogenetic location: 2q36.2.
Variant type: single nucleotide variant.
Coding change: c.1636C>T on transcript NM_003590.5 (MANE Select); coding-DNA position 1636, C replaced by T.
Protein change: p.Arg546Ter; replaces arginine 546 with a stop codon.
Molecular consequence: nonsense.
Genome position (GRCh38, 1-based): chr2:224,497,824, G>A on the plus strand (C>T on the coding strand, the complement: CUL3 is on the minus strand). VCF-style: chr2-224497824-G-A. GRCh37 (hg19) VCF-style: chr2-225362541-G-A.
Other names: c.1438C>T, p.Arg480Ter (NM_001257197.2); c.1654C>T, p.Arg552Ter (NM_001257198.2); c.1654C>T (NM_001257198.1); short protein forms R480*, R546*, R552*.
Identifiers: ClinVar variation 1214982 (VCV001214982.12), dbSNP rs767240461, ClinGen allele CA65917009.

ClinVar aggregate classification (germline): Conflicting classifications of pathogenicity. Review status: criteria provided, conflicting classifications (1 of 4 stars). 6 submissions from 6 submitters: Pathogenic (4); Likely pathogenic (1); Uncertain significance (1). Last evaluated 2025-04-11.

Conditions:
Autism spectrum disorder. Also called: Autism spectrum disorders. Identifiers: MedGen C1510586, MeSH D000067877, MONDO:0005258.
Neurodevelopmental disorder with or without autism or seizures (NEDAUS). Identifiers: MedGen C5543225, MONDO:0030994, OMIM 619239.
Paediatric disorders.

Allele frequency attached by ClinVar (database versions not stated): gnomAD exomes below 0.00001.
gnomAD v4.1: 1 of 1,613,790 alleles (0.000062%); highest among the groups gnomAD compares: Non-Finnish European, 0.000085%; no homozygotes.

Submissions (6):

North West Genomic Laboratory Hub, Manchester University NHS Foundation Trust
Classification: Pathogenic for Paediatric disorders. Last evaluated: 2025-04-11. Review status: criteria provided, single submitter. Criteria: ACGS Best Practice Guidelines for Variant Classification in Rare Disease 2024. Collection method: clinical testing. Allele origin: germline. Affected: yes.
Comment: PVS1_VStr PM2_Supp PS2_Mod

Labcorp Genetics (formerly Invitae), Labcorp
Classification: Pathogenic. Last evaluated: 2024-06-22. Review status: criteria provided, single submitter. Criteria: Invitae Variant Classification Sherloc (09022015). Collection method: clinical testing. Allele origin: germline.
Comment: This sequence change creates a premature translational stop signal (p.Arg546*) in the CUL3 gene. It is expected to result in an absent or disrupted protein product. Loss-of-function variants in CUL3 are known to be pathogenic (PMID: 32341456). This variant is not present in population databases (gnomAD no frequency). This premature translational stop signal has been observed in individual(s) with CUL3-related conditions (PMID: 22914163). ClinVar contains an entry for this variant (Variation ID: 1214982). Algorithms developed to predict the effect of sequence changes on RNA splicing suggest that this variant may disrupt the consensus splice site. For these reasons, this variant has been classified as Pathogenic.

Genomic Medicine Center of Excellence, King Faisal Specialist Hospital and Research Centre
Classification: Uncertain significance for Neurodevelopmental disorder with or without autism or seizures. Last evaluated: 2024-03-26. Review status: criteria provided, single submitter. Criteria: ACMG Guidelines, 2015. Collection method: clinical testing. Allele origin: germline.

GeneDx
Classification: Pathogenic. Last evaluated: 2021-12-10. Review status: criteria provided, single submitter. Criteria: GeneDx Variant Classification Process June 2021. Collection method: clinical testing. Allele origin: germline. Affected: yes.
Comment: Nonsense variant predicted to result in protein truncation or nonsense mediated decay in a gene for which loss-of-function is a known mechanism of disease; Not observed at significant frequency in large population cohorts (Lek et al., 2016); This variant is associated with the following publications: (PMID: 28407358, 25695269, 22914163, 33004838)

MGZ Medical Genetics Center
Classification: Likely pathogenic for Neurodevelopmental disorder with or without autism or seizures. Last evaluated: 2021-08-05. Review status: criteria provided, single submitter. Criteria: ACMG Guidelines, 2015. Collection method: clinical testing. Allele origin: germline. Affected: yes. Observed: 1 variant allele.
Comment: ACMG criteria applied: PVS1, PM2_SUP

Department of Genetics, Rouen University Hospital, Normandy Center for Genomic and Personalized Medicine
Classification: Pathogenic for Autism spectrum disorder. Review status: criteria provided, single submitter. Criteria: ACMG Guidelines, 2015. Collection method: clinical testing. Allele origin: de novo. Affected: yes.

Literature cited by the submitters: PubMed 32341456 (cited by Labcorp Genetics (formerly Invitae), Labcorp); PubMed 22914163 (cited by Labcorp Genetics (formerly Invitae), Labcorp).